The following is an entry in ClinVar:

NM_001371986.1(UNC80):c.3485C>T (p.Pro1162Leu)

Gene: UNC80 (unc-80 homolog, NALCN channel complex subunit; plus strand). Cytogenetic location: 2q34.
Variant type: single nucleotide variant.
Coding change: c.3485C>T on transcript NM_001371986.1 (MANE Select); coding-DNA position 3485, C replaced by T.
Protein change: p.Pro1162Leu; replaces proline 1162 with leucine.
Molecular consequence: missense variant.
Genome position (GRCh38, 1-based): chr2:209,849,481, C>T. VCF-style: chr2-209849481-C-T. GRCh37 (hg19) VCF-style: chr2-210714205-C-T.
Other names: c.3491C>T, p.Pro1164Leu (NM_032504.2); c.3476C>T, p.Pro1159Leu (NM_182587.4); short protein forms P1159L, P1164L, P1162L.
Identifiers: ClinVar variation 1487842 (VCV001487842.3), dbSNP rs2082375119, ClinGen allele CA350734845.
Genomic context (GRCh38, chr2:209,849,481, plus strand): 5'-CATTCCTCCACCATGGCACCACCTTTACAGGTTGCCACAGTTTTGATGATCATCTCTCTC[C>T]CAACCAAGATGGTGGAAAAAGCAAAAACGTGGTGAATCTTGGAGCAATCCGACAAGGCAT-3'
Protein context (NP_001358915.1, residues 1152-1172): GCHSFDDHLS[Pro1162Leu]NQDGGKSKNV

ClinVar aggregate classification (germline): Uncertain significance (1 of 4 stars; one submission).

Allele frequency attached by ClinVar (database versions not stated): TOPMed below 0.00001; gnomAD 0.00001; gnomAD exomes 0.00001.
gnomAD v4.1: 21 of 1,550,850 alleles (0.0014%); highest among the groups gnomAD compares: Non-Finnish European, 0.0017%; no homozygotes.

Submission:

Labcorp Genetics (formerly Invitae), Labcorp
Classification: Uncertain significance. Last evaluated: 2021-11-02. Review status: criteria provided, single submitter. Criteria: Invitae Variant Classification Sherloc (09022015). Collection method: clinical testing. Allele origin: germline.
Comment: This sequence change replaces proline, which is neutral and non-polar, with leucine, which is neutral and non-polar, at codon 1164 of the UNC80 protein (p.Pro1164Leu). This variant is not present in population databases (gnomAD no frequency). This variant has not been reported in the literature in individuals affected with UNC80-related conditions. Algorithms developed to predict the effect of missense changes on protein structure and function are either unavailable or do not agree on the potential impact of this missense change (SIFT: "Not Available"; PolyPhen-2: "Benign"; Align-GVGD: "Not Available"). In summary, the available evidence is currently insufficient to determine the role of this variant in disease. Therefore, it has been classified as a Variant of Uncertain Significance.